The following is an entry in ClinVar:

NM_002185.5(IL7R):c.1137C>G (p.Ala379=)

Gene: IL7R (interleukin 7 receptor; plus strand). Cytogenetic location: 5p13.2.
Variant type: single nucleotide variant.
Coding change: c.1137C>G on transcript NM_002185.5 (MANE Select); coding-DNA position 1137, C replaced by G.
Protein change: p.Ala379=; no amino-acid change (alanine 379 retained).
Molecular consequence: synonymous variant. On other transcripts: 3 prime UTR variant (3), non-coding transcript variant (1).
Genome position (GRCh38, 1-based): chr5:35,876,243, C>G. VCF-style: chr5-35876243-C-G. GRCh37 (hg19) VCF-style: chr5-35876345-C-G.
Other names: c.*254C>G (NM_001410734.1); c.*652C>G (NM_001437963.1); c.*635C>G (NM_001437964.1).
Identifiers: ClinVar variation 4848709 (VCV004848709.1).
Genomic context (GRCh38, chr5:35,876,243, plus strand): 5'-AAGCTTTGGAAGAGATTCATCCCTCACATGCCTGGCTGGGAATGTCAGTGCATGTGACGC[C>G]CCTATTCTCTCCTCTTCCAGGTCCCTAGACTGCAGGGAGAGTGGCAAGAATGGGCCTCAT-3'
Protein context (NP_002176.2, residues 369-389): CLAGNVSACD[Ala379=]PILSSSRSLD

ClinVar aggregate classification (germline): Likely benign (1 of 4 stars; one submission).

gnomAD v4.1: 2 of 1,614,080 alleles (0.00012%); highest among the groups gnomAD compares: Admixed American, 0.0033%; no homozygotes.

Submission:

Women's Health and Genetics/Laboratory Corporation of America, LabCorp
Classification: Likely benign. Last evaluated: 2026-04-09. Review status: criteria provided, single submitter. Criteria: LabCorp Variant Classification Summary - May 2015. Collection method: clinical testing. Allele origin: germline.
Comment: Variant summary: IL7R c.1137C>G alters a non-conserved nucleotide resulting in a synonymous change. Consensus agreement among computation tools predict no significant impact on normal splicing. However, these predictions have yet to be confirmed by functional studies. The variant allele was found at a frequency of 8e-06 in 251060 control chromosomes. The available data on variant occurrences in the general population are insufficient to allow any conclusion about variant significance. To our knowledge, no occurrence of c.1137C>G in individuals affected with IL7R-related conditions and no experimental evidence demonstrating its impact on protein function have been reported. No submitters have cited clinical-significance assessments for this variant to ClinVar. Based on the evidence outlined above, the variant was classified as likely benign.